The following is an entry in ClinVar:

NM_004304.5(ALK):c.2549G>A (p.Gly850Glu)

Gene: ALK (ALK receptor tyrosine kinase; minus strand). Cytogenetic location: 2p23.2.
Variant type: single nucleotide variant.
Coding change: c.2549G>A on transcript NM_004304.5 (MANE Select); coding-DNA position 2549, G replaced by A.
Protein change: p.Gly850Glu; replaces glycine 850 with glutamic acid.
Molecular consequence: missense variant.
Genome position (GRCh38, 1-based): chr2:29,232,387, C>T on the plus strand (G>A on the coding strand, the complement: ALK is on the minus strand). VCF-style: chr2-29232387-C-T. GRCh37 (hg19) VCF-style: chr2-29455253-C-T.
Other names: c.2549G>A (NM_004304.4); short protein forms G850E.
Identifiers: ClinVar variation 2994433 (VCV002994433.4), dbSNP rs1664238629, ClinGen allele CA346471861.
Genomic context (GRCh38, chr2:29,232,387, plus strand): 5'-AGCCCTAGAACCGAGGAGTTATTCTCCAGTCTCTCTGGGTGGAACGTGTCTGTCTTGGCC[C>T]CGTAGGCCCTGCCACCACCTCCGGCTGCAATGATCAGGGGCACCGGCACTCCATCCTTCA-3'
Protein context (NP_004295.2, residues 840-860): IAAGGGGRAY[Gly850Glu]AKTDTFHPER

ClinVar aggregate classification (germline): Uncertain significance. Review status: criteria provided, multiple submitters, no conflicts (2 of 4 stars). 2 submissions from 2 submitters: Uncertain significance (2). Last evaluated 2025-04-01.

Conditions:
Hereditary cancer-predisposing syndrome. Also called: Hereditary Cancer Syndrome; Hereditary neoplastic syndrome; Neoplastic Syndromes, Hereditary; Tumor predisposition. Identifiers: Orphanet 140162, MedGen C0027672, MeSH D009386, MONDO:0015356.
Neuroblastoma, susceptibility to, 3. Also called: ALK-Related Neuroblastic Tumor Susceptibility. Identifiers: Orphanet 635, MedGen C2751681, MONDO:0013083, OMIM 613014.

Allele frequency attached by ClinVar (database versions not stated): TOPMed below 0.00001.

Submissions (2):

Ambry Genetics
Classification: Uncertain significance for Hereditary cancer-predisposing syndrome. Last evaluated: 2025-04-01. Review status: criteria provided, single submitter. Criteria: Ambry Variant Classification Scheme 2023. Collection method: clinical testing. Allele origin: germline.
Comment: The p.G850E variant (also known as c.2549G>A), located in coding exon 15 of the ALK gene, results from a G to A substitution at nucleotide position 2549. The glycine at codon 850 is replaced by glutamic acid, an amino acid with similar properties. This amino acid position is conserved. In addition, this alteration is predicted to be tolerated by in silico analysis. Based on the available evidence, the clinical significance of this variant remains unclear.

Labcorp Genetics (formerly Invitae), Labcorp
Classification: Uncertain significance for Neuroblastoma, susceptibility to, 3. Last evaluated: 2024-01-05. Review status: criteria provided, single submitter. Criteria: Invitae Variant Classification Sherloc (09022015). Collection method: clinical testing. Allele origin: germline.
Comment: This sequence change replaces glycine, which is neutral and non-polar, with glutamic acid, which is acidic and polar, at codon 850 of the ALK protein (p.Gly850Glu). This variant is not present in population databases (gnomAD no frequency). This variant has not been reported in the literature in individuals affected with ALK-related conditions. An algorithm developed to predict the effect of missense changes on protein structure and function (PolyPhen-2) suggests that this variant is likely to be disruptive. In summary, the available evidence is currently insufficient to determine the role of this variant in disease. Therefore, it has been classified as a Variant of Uncertain Significance.